The following is an entry in ClinVar:

ClinVar aggregate classification (germline): Pathogenic. Review status: reviewed by expert panel (3 of 4 stars). 5 submissions from 5 submitters: Pathogenic (1). 4 of the submissions do not count toward it. Last evaluated 2023-04-19.

Conditions:
Glycogen storage disease, type II (IOPD). Also called: POMPE DISEASE, INFANTILE-ONSET; GLYCOGEN STORAGE DISEASE II, INFANTILE-ONSET; ACID ALPHA-GLUCOSIDASE DEFICIENCY, INFANTILE-ONSET; GAA DEFICIENCY, INFANTILE-ONSET; ACID MALTASE DEFICIENCY, INFANTILE-ONSET; CARDIOMEGALIA GLYCOGENICA DIFFUSA. Identifiers: Orphanet 365, MedGen C0017921, MONDO:0009290, OMIM 232300.

Submissions (5):

ClinGen Lysosomal Storage Disorder Variant Curation Expert Panel
Classification: Pathogenic for Glycogen storage disease, type II. Last evaluated: 2023-04-19. Review status: reviewed by expert panel. Criteria: clingen_lsd_acmg_specifications_v2-1. Collection method: curation. Allele origin: germline. Inheritance: Autosomal recessive inheritance.
Comment: The NM_000152.5:c.1062C>A (p.Tyr354Ter) variant in GAA is a nonsense variant predicted to cause a premature stop codon in biologically-relevant-exon 6/20, leading to nonsense mediated decay in a gene in which loss-of-function is an established disease mechanism (PVS1). One patient with infantile onset Pompe disease, identified by newborn screen and treated with enzyme replacement therapy, has been reported (PMID: 32373469) (PP4). This patient is compound heterozygous for the variant and a variant in GAA that has been classified as pathogenic by the ClinGen LD VCEP, c.1935C>A (p.Asp645Glu) (PMID: 32373469) (PM3_Supporting). There is a ClinVar entry for this variant (Variation ID: 423925). In summary, this variant meets the criteria to be classified as pathogenic for Pompe disease. GAA-specific ACMG/AMP criteria applied, as specified by the ClinGen Lysosomal Diseases VCEP (Specifications version 2.0): PVS1, PM3_Supporting, PM2_Supporting. (Classification approved by the ClinGen Lysosomal Diseases VCEP, April 11, 2023).

Revvity Omics, Revvity
Classification: Likely pathogenic. Last evaluated: 2025-04-28. Review status: criteria provided, single submitter. Criteria: ACMG Guidelines, 2015. Collection method: clinical testing. Allele origin: germline. Not counted in ClinVar's aggregate classification.

Labcorp Genetics (formerly Invitae), Labcorp
Classification: Pathogenic for Glycogen storage disease, type II. Last evaluated: 2023-10-24. Review status: criteria provided, single submitter. Criteria: Invitae Variant Classification Sherloc (09022015). Collection method: clinical testing. Allele origin: germline. Not counted in ClinVar's aggregate classification.
Comment: This sequence change creates a premature translational stop signal (p.Tyr354*) in the GAA gene. It is expected to result in an absent or disrupted protein product. Loss-of-function variants in GAA are known to be pathogenic (PMID: 18425781, 22252923). This variant is not present in population databases (gnomAD no frequency). This premature translational stop signal has been observed in individual(s) with Pompe disease (PMID: 18425781, 31076647). ClinVar contains an entry for this variant (Variation ID: 423925). Algorithms developed to predict the effect of sequence changes on RNA splicing suggest that this variant may disrupt the consensus splice site. For these reasons, this variant has been classified as Pathogenic.

Fulgent Genetics
Classification: Likely pathogenic for Glycogen storage disease, type II. Last evaluated: 2021-11-22. Review status: criteria provided, single submitter. Criteria: ACMG Guidelines, 2015. Collection method: clinical testing. Allele origin: unknown. Not counted in ClinVar's aggregate classification.

GeneDx
Classification: Pathogenic. Last evaluated: 2017-03-10. Review status: criteria provided, single submitter. Criteria: GeneDx Variant Classification (06012015). Collection method: clinical testing. Allele origin: germline. Affected: yes. Not counted in ClinVar's aggregate classification.
Comment: The Y354X variant has not been published as a pathogenic variant, nor has it been reported as a benign variant to our knowledge. The Y354X variant is not observed in large population cohorts (Lek et al., 2016; 1000 Genomes Consortium et al., 2015; Exome Variant Server). The Y354X variant is predicted to cause loss of normal protein function either through protein truncation or nonsense-mediated mRNA decay. Although Y354X has not been previously reported to our knowledge, other downstream nonsense variants in the GAA gene have been reported in the Human Gene Mutation Database in association with GSDII (Stenson et al., 2014). Therefore, we interpret Y354X as a pathogenic variant.

Literature cited by the submitters: PubMed 18425781 (cited by Labcorp Genetics (formerly Invitae), Labcorp); PubMed 22252923 (cited by Labcorp Genetics (formerly Invitae), Labcorp); PubMed 31076647 (cited by Labcorp Genetics (formerly Invitae), Labcorp).

NM_000152.5(GAA):c.1062C>A (p.Tyr354Ter)

Gene: GAA (alpha glucosidase; plus strand). Cytogenetic location: 17q25.3.
Variant type: single nucleotide variant.
Coding change: c.1062C>A on transcript NM_000152.5 (MANE Select); coding-DNA position 1062, C replaced by A.
Protein change: p.Tyr354Ter; replaces tyrosine 354 with a stop codon.
Molecular consequence: nonsense.
Genome position (GRCh38, 1-based): chr17:80,108,396, C>A. VCF-style: chr17-80108396-C-A. GRCh37 (hg19) VCF-style: chr17-78082195-C-A.
Other names: c.1062C>A (LRG_673t1); c.1062C>A, p.Tyr354Ter (NM_001079803.3, NM_001079804.3); short protein forms Y354*.
Identifiers: ClinVar variation 423925 (VCV000423925.11), dbSNP rs1064796703, ClinGen allele CA16620645.